The following is an entry in ClinVar:

ClinVar aggregate classification (germline): Pathogenic/Likely pathogenic. Review status: criteria provided, multiple submitters, no conflicts (2 of 4 stars). 4 submissions from 4 submitters: Pathogenic (1); Likely pathogenic (3). Last evaluated 2024-06-12.

Conditions:
Arthrogryposis multiplex congenita 6. Identifiers: MedGen C5543431, MONDO:0030281, OMIM 619334.
Nemaline myopathy 2 (NEM2). Also called: Nemaline myopathy 2, autosomal recessive. Identifiers: MedGen C1850569, MONDO:0009725, OMIM 256030.

Submissions (4):

Natera, Inc.
Classification: Likely pathogenic for Nemaline myopathy type 2. Last evaluated: 2024-06-12. Review status: criteria provided, single submitter. Criteria: Natera Variant Classification Schema (03/2026). Collection method: clinical testing. Allele origin: germline.
Comment: The c.4623del variant in NEB is a frameshift variant predicted to shift the reading frame beginning at codon 1542 and leads to a stop codon 13 codons downstream. This variant is expected to result in nonsense mediated decay, truncation, or a dysfunctional protein product. This variant is rare in the general population with a frequency below the threshold expected for the associated phenotype(s). Given the available evidence, this variant is classified as Likely Pathogenic.

Baylor Genetics
Classification: Likely pathogenic for Arthrogryposis multiplex congenita 6. Last evaluated: 2024-02-16. Review status: criteria provided, single submitter. Criteria: ACMG Guidelines, 2015. Collection method: clinical testing. Allele origin: unknown.

Labcorp Genetics (formerly Invitae), Labcorp
Classification: Pathogenic for Nemaline myopathy 2. Last evaluated: 2023-09-03. Review status: criteria provided, single submitter. Criteria: Invitae Variant Classification Sherloc (09022015). Collection method: clinical testing. Allele origin: germline.
Comment: For these reasons, this variant has been classified as Pathogenic. ClinVar contains an entry for this variant (Variation ID: 582645). This variant has not been reported in the literature in individuals affected with NEB-related conditions. This variant is not present in population databases (gnomAD no frequency). This sequence change creates a premature translational stop signal (p.Ala1542Glnfs*13) in the NEB gene. It is expected to result in an absent or disrupted protein product. Loss-of-function variants in NEB are known to be pathogenic (PMID: 25205138).

Fulgent Genetics
Classification: Likely pathogenic for Nemaline myopathy 2; Arthrogryposis multiplex congenita 6. Last evaluated: 2021-12-03. Review status: criteria provided, single submitter. Criteria: ACMG Guidelines, 2015. Collection method: clinical testing. Allele origin: unknown.

Literature cited by the submitters: PubMed 25205138 (cited by Labcorp Genetics (formerly Invitae), Labcorp).

NM_001164508.2(NEB):c.4623del (p.Ala1542fs)

Gene: NEB (nebulin; minus strand). Cytogenetic location: 2q23.3.
Variant type: Deletion.
Coding change: c.4623del on transcript NM_001164508.2 (MANE Select); coding-DNA position 4623, one base deleted (A; older notation c.4623delA).
Protein change: p.Ala1542fs; shifts the reading frame from alanine 1542.
Molecular consequence: frameshift variant.
Genome position (GRCh38, 1-based): chr2:151,667,900, T deleted on the plus strand (A on the coding strand, the reverse complement: NEB is on the minus strand); the first of 3 consecutive T bases (chr2:151,667,900-151,667,902); deleting any one gives the same sequence. VCF-style (leftmost placement, unchanged base first): chr2-151667899-CT-C. GRCh37 (hg19) VCF-style: chr2-152524413-CT-C.
Other names: c.4623del, p.Ala1542fs (NM_001164507.2, NM_001271208.2, NM_004543.5); short protein forms A1542fs.
Identifiers: ClinVar variation 582645 (VCV000582645.10), dbSNP rs1559039815, ClinGen allele CA891842983.